The following is an entry in ClinVar:

NM_000179.3(MSH6):c.3439-16C>T

Gene: MSH6 (mutS homolog 6; plus strand). Cytogenetic location: 2p16.3.
Variant type: single nucleotide variant.
Coding change: c.3439-16C>T on transcript NM_000179.3 (MANE Select); 16 bases into the intron before coding-DNA position 3439, C replaced by T.
Molecular consequence: intron variant.
Genome position (GRCh38, 1-based): chr2:47,804,894, C>T. VCF-style: chr2-47804894-C-T. GRCh37 (hg19) VCF-style: chr2-48032033-C-T.
Other names: c.2533-16C>T (NM_001281493.2, NM_001281494.2); c.3049-16C>T (NM_001281492.2).
Identifiers: ClinVar variation 89389 (VCV000089389.73), dbSNP rs192614006, ClinGen allele CA012898.
Genomic context (GRCh38, chr2:47,804,894, plus strand): 5'-GGGTTCATAAGAAAGACAAAAGTTTATGAAACTGTTACTACCAGTCATAAAAGACCTTTT[C>T]CTCCCTCATTCACAGGCTGGCTTATTAGCTGTAATGGCCCAGATGGGTTGTTACGTCCCT-3'

ClinVar aggregate classification (germline): Benign. Review status: reviewed by expert panel (3 of 4 stars). 26 submissions from 26 submitters: Benign (1). 25 of the submissions do not count toward it. Last evaluated 2013-09-05.

Conditions:
Mismatch repair cancer syndrome 3. Identifiers: MedGen C5436807, MONDO:0030841, OMIM 619097.
Endometrial carcinoma. Also called: Endometrial carcinoma, somatic. Identifiers: MedGen C0476089, MONDO:0002447, OMIM 608089, HP:0012114.
Lynch syndrome 5 (LYNCH5). Also called: Colorectal cancer, hereditary nonpolyposis, type 5; Hereditary non-polyposis colorectal cancer, type 5. Identifiers: Orphanet 144, MedGen C1833477, MONDO:0013710, OMIM 614350. Disease mechanism: loss of function.
Hereditary nonpolyposis colorectal neoplasms. Identifiers: MedGen C0009405, MeSH D003123.
Breast and/or ovarian cancer. Identifiers: MedGen CN221562.
Hereditary cancer-predisposing syndrome. Also called: Neoplastic Syndromes, Hereditary; Tumor predisposition; Hereditary Cancer Syndrome; Hereditary neoplastic syndrome. Identifiers: Orphanet 140162, MedGen C0027672, MeSH D009386, MONDO:0015356.
Lynch syndrome. Identifiers: Orphanet 144, MedGen C4552100, MONDO:0005835. Disease mechanism: loss of function.

Allele frequency attached by ClinVar (database versions not stated): gnomAD exomes 0.00210; ExAC 0.00218; gnomAD 0.00224 and 0.00237; TOPMed 0.00253; ESP Exome Variant Server 0.00346; 1000 Genomes Project 30x 0.00078; 1000 Genomes Project 0.00080.
gnomAD v4.1: 6,150 of 1,593,988 alleles (0.39%); highest among the groups gnomAD compares: Non-Finnish European, 0.5%; 21 homozygotes.

Submissions (26):

International Society for Gastrointestinal Hereditary Tumours (InSiGHT)
Classification: Benign for Lynch Syndrome. Last evaluated: 2013-09-05. Review status: reviewed by expert panel. Criteria: Guidelines v1.9. Collection method: research. Allele origin: germline.
Comment: Multifactorial likelihood analysis posterior probability <0.001

Classified with v1.9 guidelines
ClinVar note: Converted during submission from no known pathogenicity to Benign.

CeGaT Center for Human Genetics Tuebingen
Classification: Likely benign. Last evaluated: 2026-09-01. Review status: criteria provided, single submitter. Criteria: CeGaT Center For Human Genetics Tuebingen Variant Classification Criteria Version 2. Collection method: clinical testing. Allele origin: germline. Affected: yes. Observed: 31 variant alleles. Not counted in ClinVar's aggregate classification.
Comment: MSH6: BS2

Department of Clinical Genetics, Copenhagen University Hospital, Rigshospitalet
Classification: Benign for Lynch syndrome. Last evaluated: 2026-06-08. Review status: criteria provided, single submitter. Criteria: ACMG Guidelines, 2015. Collection method: clinical testing. Allele origin: germline. Not counted in ClinVar's aggregate classification.
Comment: The following ACMG criteria has been used: BA1; BS2; BP4 (SpliceAI score < 0.1); BP7_MOD_RNA

Labcorp Genetics (formerly Invitae), Labcorp
Classification: Benign for Hereditary nonpolyposis colorectal neoplasms. Last evaluated: 2026-02-04. Review status: criteria provided, single submitter. Criteria: Invitae Variant Classification Sherloc (09022015). Collection method: clinical testing. Allele origin: germline. Not counted in ClinVar's aggregate classification.

ARUP Laboratories, Molecular Genetics and Genomics, ARUP Laboratories
Classification: Benign. Last evaluated: 2025-07-29. Review status: criteria provided, single submitter. Criteria: ARUP Molecular Germline Variant Investigation Process 2024. Collection method: clinical testing. Allele origin: germline. Not counted in ClinVar's aggregate classification.

Center for Genomic Medicine, Rigshospitalet, Copenhagen University Hospital
Classification: Benign. Last evaluated: 2025-03-04. Review status: criteria provided, single submitter. Criteria: ACMG Guidelines, 2015. Collection method: clinical testing. Allele origin: germline. Not counted in ClinVar's aggregate classification.

Myriad Genetics, Inc.
Classification: Benign for Lynch syndrome 5. Last evaluated: 2025-01-07. Review status: criteria provided, single submitter. Criteria: Myriad Autosomal Dominant, Autosomal Recessive and X-Linked Classification Criteria (2023). Collection method: clinical testing. Allele origin: unknown. Not counted in ClinVar's aggregate classification.
Comment: This variant is considered benign. This variant is intronic and is not expected to impact mRNA splicing.

Blueprint Genetics
Classification: Likely benign. Last evaluated: 2024-11-19. Review status: criteria provided, single submitter. Criteria: ACMG Guidelines, 2015. Collection method: clinical testing. Allele origin: germline. Not counted in ClinVar's aggregate classification.

KCCC/NGS Laboratory, Kuwait Cancer Control Center
Classification: Benign for Lynch syndrome 5. Last evaluated: 2023-07-07. Review status: criteria provided, single submitter. Criteria: ACMG Guidelines, 2015. Collection method: clinical testing. Allele origin: germline. Affected: yes. Not counted in ClinVar's aggregate classification.

CHEO Genetics Diagnostic Laboratory, Children's Hospital of Eastern Ontario
Classification: Likely benign for Breast and/or ovarian cancer. Last evaluated: 2023-06-22. Review status: criteria provided, single submitter. Criteria: ACMG Guidelines, 2015. Collection method: clinical testing. Allele origin: germline. Not counted in ClinVar's aggregate classification.

Fulgent Genetics
Classification: Likely benign for Endometrial carcinoma; Lynch syndrome 5; Mismatch repair cancer syndrome 3. Last evaluated: 2021-08-17. Review status: criteria provided, single submitter. Criteria: ACMG Guidelines, 2015. Collection method: clinical testing. Allele origin: unknown. Not counted in ClinVar's aggregate classification.

Sema4
Classification: Benign for Hereditary cancer-predisposing syndrome. Last evaluated: 2020-08-04. Review status: criteria provided, single submitter. Criteria: Sema4 Curation Guidelines. Collection method: curation. Allele origin: germline. Not counted in ClinVar's aggregate classification.

PreventionGenetics, part of Exact Sciences
Classification: Benign. Last evaluated: 2017-07-11. Review status: criteria provided, single submitter. Criteria: ACMG Guidelines, 2015. Collection method: clinical testing. Allele origin: germline. Not counted in ClinVar's aggregate classification.

Clinical Genetics DNA and cytogenetics Diagnostics Lab, Erasmus MC, Erasmus Medical Center
Classification: Benign for Lynch syndrome 5. Last evaluated: 2015-09-21. Review status: criteria provided, single submitter. Criteria: ACGS Guidelines, 2013. Collection method: clinical testing. Allele origin: germline. Affected: yes. Study: VKGL Data-share Consensus. Not counted in ClinVar's aggregate classification.

Color Diagnostics, LLC DBA Color Health
Classification: Benign for Hereditary cancer-predisposing syndrome. Last evaluated: 2014-12-09. Review status: criteria provided, single submitter. Criteria: ACMG Guidelines, 2015. Collection method: clinical testing. Allele origin: germline. Not counted in ClinVar's aggregate classification.

Ambry Genetics
Classification: Benign for Hereditary cancer-predisposing syndrome. Last evaluated: 2014-11-18. Review status: criteria provided, single submitter. Criteria: Ambry Variant Classification Scheme 2023. Collection method: clinical testing. Allele origin: germline. Not counted in ClinVar's aggregate classification.

GeneDx
Classification: Benign. Last evaluated: 2013-11-04. Review status: criteria provided, single submitter. Criteria: GeneDx Variant Classification (06012015). Collection method: clinical testing. Allele origin: germline. Affected: yes. Not counted in ClinVar's aggregate classification.
Comment: This variant is considered likely benign or benign based on one or more of the following criteria: it is a conservative change, it occurs at a poorly conserved position in the protein, it is predicted to be benign by multiple in silico algorithms, and/or has population frequency not consistent with disease.

Eurofins Ntd Llc (ga)
Classification: Benign. Last evaluated: 2013-10-24. Review status: criteria provided, single submitter. Criteria: EGL Classification Definitions 2015. Collection method: clinical testing. Allele origin: germline. Observed: 1 variant allele, 1 heterozygote. Not counted in ClinVar's aggregate classification.

Clinical Genetics Laboratory, Department of Pathology, Netherlands Cancer Institute
Classification: Benign. Review status: no assertion criteria provided. Collection method: clinical testing. Allele origin: germline. Affected: yes. Study: VKGL Data-share Consensus. Not counted in ClinVar's aggregate classification.

Clinical Genetics, Academic Medical Center
Classification: Benign. Review status: no assertion criteria provided. Collection method: clinical testing. Allele origin: germline. Affected: yes. Study: VKGL Data-share Consensus. Not counted in ClinVar's aggregate classification.

Department of Pathology and Laboratory Medicine, Sinai Health System
Classification: Uncertain significance. Review status: no assertion criteria provided. Collection method: clinical testing. Allele origin: unknown. Affected: yes. Study: The Canadian Open Genetics Repository (COGR). Not counted in ClinVar's aggregate classification.

Diagnostic Laboratory, Department of Genetics, University Medical Center Groningen
Classification: Benign for Lynch syndrome 5. Review status: no assertion criteria provided. Collection method: clinical testing. Allele origin: germline. Affected: yes. Study: VKGL Data-share Consensus. Not counted in ClinVar's aggregate classification.

Genome Diagnostics Laboratory, Amsterdam University Medical Center
Classification: Benign. Review status: no assertion criteria provided. Collection method: clinical testing. Allele origin: germline. Affected: yes. Study: VKGL Data-share Consensus. Not counted in ClinVar's aggregate classification.

Genome Diagnostics Laboratory, University Medical Center Utrecht
Classification: Benign. Review status: no assertion criteria provided. Collection method: clinical testing. Allele origin: germline. Affected: yes. Study: VKGL Data-share Consensus. Not counted in ClinVar's aggregate classification.

Joint Genome Diagnostic Labs from Nijmegen and Maastricht, Radboudumc and MUMC+
Classification: Benign. Review status: no assertion criteria provided. Collection method: clinical testing. Allele origin: germline. Affected: yes. Study: VKGL Data-share Consensus. Not counted in ClinVar's aggregate classification.

Mayo Clinic Laboratories, Mayo Clinic
Classification: Likely benign. Review status: no assertion criteria provided. Collection method: research. Allele origin: unknown. Observed: 1 variant allele. Not counted in ClinVar's aggregate classification.

Literature cited by the submitters: PubMed 24090359 (cited by Department of Clinical Genetics, Copenhagen University Hospital, Rigshospitalet).